The following is an entry in ClinVar:

NM_002108.4(HAL):c.248-5T>C

Gene: HAL (histidine ammonia-lyase; minus strand). Cytogenetic location: 12q23.1.
Variant type: single nucleotide variant.
Coding change: c.248-5T>C on transcript NM_002108.4 (MANE Select); 5 bases into the intron before coding-DNA position 248, T replaced by C.
Molecular consequence: intron variant.
Genome position (GRCh38, 1-based): chr12:95,994,998, A>G on the plus strand (T>C on the coding strand, the complement: HAL is on the minus strand). VCF-style: chr12-95994998-A-G. GRCh37 (hg19) VCF-style: chr12-96388776-A-G.
Other names: c.-310-5T>C (NM_001258333.2); c.248-5T>C (NM_001258334.2).
Identifiers: ClinVar variation 3050250 (VCV003050250.2), dbSNP rs372942789, ClinGen allele CA6728100.

ClinVar aggregate classification (germline): Likely benign (0 of 4 stars; one submission).

Conditions:
HAL-related disorder. Also called: HAL-related condition.

Allele frequency attached by ClinVar (database versions not stated): ExAC 0.00003; gnomAD 0.00007; TOPMed 0.00007; gnomAD exomes 0.00010; ESP Exome Variant Server 0.00015.
gnomAD v4.1: 147 of 1,603,338 alleles (0.0092%); highest among the groups gnomAD compares: Non-Finnish European, 0.012%; no homozygotes.

Submission:

PreventionGenetics, part of Exact Sciences
Classification: Likely benign for HAL-related condition. Last evaluated: 2019-07-22. Review status: no assertion criteria provided. Collection method: clinical testing. Allele origin: germline.
Comment: This variant is classified as likely benign based on ACMG/AMP sequence variant interpretation guidelines (Richards et al. 2015 PMID: 25741868, with internal and published modifications).